The following is an entry in ClinVar:

ClinVar aggregate classification (germline): Pathogenic (1 of 4 stars; one submission).

Conditions:
Asphyxiating thoracic dystrophy 3. Also called: SHORT-RIB THORACIC DYSPLASIA 3 WITH OR WITHOUT POLYDACTYLY; POLYDACTYLY WITH NEONATAL CHONDRODYSTROPHY, TYPE I; SHORT-RIB THORACIC DYSPLASIA 3/6 WITH POLYDACTYLY, DIGENIC; Short rib polydactyly syndrome 2B; Saldino-Noonan Syndrome. Identifiers: Orphanet 474, Orphanet 93269, Orphanet 93270, Orphanet 93271, MedGen C0036069, MONDO:0013127, OMIM 613091.

Submission:

Myriad Genetics, Inc.
Classification: Pathogenic for Asphyxiating thoracic dystrophy 3. Last evaluated: 2026-07-04. Review status: criteria provided, single submitter. Criteria: Myriad Autosomal Dominant, Autosomal Recessive and X-Linked Classification Criteria (2023). Collection method: clinical testing. Allele origin: unknown.
Comment: NM_001377.2(DYNC2H1):c.8665_8678del14(E2889Tfs*10) is expected to be pathogenic in the context of DYNC2H1-related disorders. This variant is predicted to lead to an abnormal or absent protein product due to the creation of a premature termination codon in DYNC2H1, a gene where loss-of-function variants are known to be pathogenic. Please note: this variant was assessed in the context of healthy population screening.

NM_001377.3(DYNC2H1):c.8665_8678del (p.Glu2889fs)

Gene: DYNC2H1 (dynein cytoplasmic 2 heavy chain 1; plus strand). Cytogenetic location: 11q22.3.
Variant type: Deletion.
Coding change: c.8665_8678del on transcript NM_001377.3 (MANE Select); coding-DNA positions 8665 to 8678, 14 bases deleted (GAATTATTAAAAAG).
Protein change: p.Glu2889fs; shifts the reading frame from glutamic acid 2889.
Molecular consequence: frameshift variant.
Genome position (GRCh38, 1-based): chr11:103,211,914-103,211,927, GAATTATTAAAAAG deleted; deleting any 14 consecutive bases within chr11:103,211,908-103,211,927 gives the same sequence; the c. name uses the placement nearest the transcript's 3' end. VCF-style (leftmost placement, unchanged base first): chr11-103211907-GAAAAAGGAATTATT-G. GRCh37 (hg19) VCF-style: chr11-103082636-GAAAAAGGAATTATT-G.
Other names: c.8665_8678del, p.Glu2889fs (NM_001080463.2); short protein forms E2889fs.
Identifiers: ClinVar variation 5016106 (VCV005016106.1).